The following is an entry in ClinVar:

ClinVar aggregate classification (germline): Uncertain significance (1 of 4 stars; one submission).

Conditions:
Immunodeficiency 51 (IMD51). Also called: CANDIDIASIS, FAMILIAL, 5. Identifiers: Orphanet 1334, MedGen C4310803, MONDO:0013500, OMIM 613953.

Allele frequency attached by ClinVar (database versions not stated): gnomAD exomes 0.00001.

Submission:

Labcorp Genetics (formerly Invitae), Labcorp
Classification: Uncertain significance for Immunodeficiency 51. Last evaluated: 2021-10-11. Review status: criteria provided, single submitter. Criteria: Invitae Variant Classification Sherloc (09022015). Collection method: clinical testing. Allele origin: germline.
Comment: This sequence change replaces glutamic acid with glutamine at codon 641 of the IL17RA protein (p.Glu641Gln). The glutamic acid residue is moderately conserved and there is a small physicochemical difference between glutamic acid and glutamine. The frequency data for this variant in the population databases is considered unreliable, as metrics indicate insufficient coverage at this position in the ExAC database. This variant has not been reported in the literature in individuals affected with IL17RA-related conditions. Algorithms developed to predict the effect of missense changes on protein structure and function (SIFT, PolyPhen-2, Align-GVGD) all suggest that this variant is likely to be tolerated. In summary, the available evidence is currently insufficient to determine the role of this variant in disease. Therefore, it has been classified as a Variant of Uncertain Significance.

NM_014339.7(IL17RA):c.1921G>C (p.Glu641Gln)

Gene: IL17RA (interleukin 17 receptor A; plus strand). Cytogenetic location: 22q11.1.
Variant type: single nucleotide variant.
Coding change: c.1921G>C on transcript NM_014339.7 (MANE Select); coding-DNA position 1921, G replaced by C.
Protein change: p.Glu641Gln; replaces glutamic acid 641 with glutamine.
Molecular consequence: missense variant.
Genome position (GRCh38, 1-based): chr22:17,109,140, G>C. VCF-style: chr22-17109140-G-C. GRCh37 (hg19) VCF-style: chr22-17590030-G-C.
Other names: c.1819G>C, p.Glu607Gln (NM_001289905.2); short protein forms E607Q, E641Q.
Identifiers: ClinVar variation 1019715 (VCV001019715.4), dbSNP rs1453480856, ClinGen allele CA410219478.